The following is an entry in ClinVar:

NM_024721.5(ZFHX4):c.6708C>T (p.Tyr2236=)

Gene: ZFHX4 (zinc finger homeobox 4; plus strand). Cytogenetic location: 8q21.13.
Variant type: single nucleotide variant.
Coding change: c.6708C>T on transcript NM_024721.5 (MANE Select); coding-DNA position 6708, C replaced by T.
Protein change: p.Tyr2236=; no amino-acid change (tyrosine 2236 retained).
Molecular consequence: synonymous variant.
Genome position (GRCh38, 1-based): chr8:76,853,629, C>T. VCF-style: chr8-76853629-C-T. GRCh37 (hg19) VCF-style: chr8-77765865-C-T.
Other names: c.6630C>T, p.Tyr2210= (NM_001410934.1).
Identifiers: ClinVar variation 3060954 (VCV003060954.2), dbSNP rs2728455, ClinGen allele CA4787857.

ClinVar aggregate classification (germline): Benign (0 of 4 stars; one submission).

Conditions:
ZFHX4-related disorder. Also called: ZFHX4-related condition.

Allele frequency attached by ClinVar (database versions not stated): 1000 Genomes Project 30x 0.14085; 1000 Genomes Project 0.14117; TOPMed 0.17565; gnomAD 0.19307; ESP Exome Variant Server 0.20311; ExAC 0.21937; gnomAD exomes 0.25331.
gnomAD v4.1: 398,557 of 1,613,358 alleles (25%); highest among the groups gnomAD compares: Non-Finnish European, 27%; 52,680 homozygotes.

Submission:

PreventionGenetics, part of Exact Sciences
Classification: Benign for ZFHX4-related condition. Last evaluated: 2019-10-21. Review status: no assertion criteria provided. Collection method: clinical testing. Allele origin: germline.
Comment: This variant is classified as benign based on ACMG/AMP sequence variant interpretation guidelines (Richards et al. 2015 PMID: 25741868, with internal and published modifications).